The following is an entry in ClinVar:

ClinVar aggregate classification (germline): Uncertain significance. Review status: criteria provided, multiple submitters, no conflicts (2 of 4 stars). 2 submissions from 2 submitters: Uncertain significance (2). Last evaluated 2023-03-06.

Conditions:
Inborn genetic diseases. Identifiers: MedGen C0950123, MeSH D030342.

Allele frequency attached by ClinVar (database versions not stated): gnomAD exomes 0.00001 and 0.00004; ExAC 0.00009; ESP Exome Variant Server 0.00015; gnomAD 0.00017 and 0.00020; TOPMed 0.00020.
gnomAD v4.1: 41 of 1,613,900 alleles (0.0025%); highest among the groups gnomAD compares: African/African-American, 0.053%; no homozygotes.

Submissions (2):

Ambry Genetics
Classification: Uncertain significance for Inborn genetic diseases. Last evaluated: 2023-03-06. Review status: criteria provided, single submitter. Criteria: Ambry Variant Classification Scheme 2023. Collection method: clinical testing. Allele origin: germline.

GeneDx
Classification: Uncertain significance. Last evaluated: 2020-02-04. Review status: criteria provided, single submitter. Criteria: GeneDx Variant Classification Process June 2021. Collection method: clinical testing. Allele origin: germline. Affected: yes.
Comment: In silico analysis supports that this missense variant has a deleterious effect on protein structure/function; Has not been previously published as pathogenic or benign to our knowledge

NM_212482.4(FN1):c.7268A>G (p.Asn2423Ser)

Genes: ATIC (5-aminoimidazole-4-carboxamide ribonucleotide formyltransferase/IMP cyclohydrolase; plus strand), FN1 (fibronectin 1; minus strand). Cytogenetic location: 2q35.
Variant type: single nucleotide variant.
Coding change: c.7268A>G on transcript NM_212482.4 (MANE Select); coding-DNA position 7268, A replaced by G.
Protein change: p.Asn2423Ser; replaces asparagine 2423 with serine.
Molecular consequence: missense variant.
Genome position (GRCh38, 1-based): chr2:215,362,063, T>C on the plus strand (A>G on the coding strand, the complement: FN1 is on the minus strand). VCF-style: chr2-215362063-T-C. GRCh37 (hg19) VCF-style: chr2-216226786-T-C.
Other names: c.7175A>G, p.Asn2392Ser (NM_001306129.2); c.6638A>G, p.Asn2213Ser (NM_001306130.2); c.6632A>G, p.Asn2211Ser (NM_001306131.2); c.6557A>G, p.Asn2186Ser (NM_001306132.2); c.6998A>G, p.Asn2333Ser (NM_001365517.2); c.6995A>G, p.Asn2332Ser (NM_001365518.2); c.6923A>G, p.Asn2308Ser (NM_001365519.2); c.6920A>G, p.Asn2307Ser (NM_001365520.2); and 8 more; short protein forms N2122S, N2186S, N2211S, N2212S, N2213S, N2217S, N2242S, N2276S.
Identifiers: ClinVar variation 1314343 (VCV001314343.4), dbSNP rs371108916, ClinGen allele CA2093592.